The following is an entry in ClinVar:

ClinVar aggregate classification (germline): Uncertain significance (1 of 4 stars; one submission).

Conditions:
Hereditary cancer-predisposing syndrome. Also called: Tumor predisposition; Hereditary Cancer Syndrome; Hereditary neoplastic syndrome; Neoplastic Syndromes, Hereditary. Identifiers: Orphanet 140162, MedGen C0027672, MeSH D009386, MONDO:0015356.

Submission:

Ambry Genetics
Classification: Uncertain significance for Hereditary cancer-predisposing syndrome. Last evaluated: 2023-08-31. Review status: criteria provided, single submitter. Criteria: Ambry Variant Classification Scheme 2023. Collection method: clinical testing. Allele origin: germline.
Comment: The p.S16Y variant (also known as c.47C>A), located in coding exon 1 of the PHOX2B gene, results from a C to A substitution at nucleotide position 47. The serine at codon 16 is replaced by tyrosine, an amino acid with dissimilar properties. This amino acid position is conserved. In addition, this alteration is predicted to be deleterious by in silico analysis. Since supporting evidence is limited at this time, the clinical significance of this alteration remains unclear.

NM_003924.4(PHOX2B):c.47C>A (p.Ser16Tyr)

Genes: PHOX2B (paired like homeobox 2B; minus strand), PHOX2B-AS1 (PHOX2B antisense RNA 1; plus strand). Cytogenetic location: 4p13.
Variant type: single nucleotide variant.
Coding change: c.47C>A on transcript NM_003924.4 (MANE Select); coding-DNA position 47, C replaced by A.
Protein change: p.Ser16Tyr; replaces serine 16 with tyrosine.
Molecular consequence: missense variant. On other transcripts: non-coding transcript variant (1).
Genome position (GRCh38, 1-based): chr4:41,748,564, G>T on the plus strand (C>A on the coding strand, the complement: PHOX2B is on the minus strand). VCF-style: chr4-41748564-G-T. GRCh37 (hg19) VCF-style: chr4-41750581-G-T.
Other names: short protein forms S16Y.
Identifiers: ClinVar variation 2625355 (VCV002625355.2), dbSNP rs2552097196, ClinGen allele CA356741269.
Genomic context (GRCh38, chr4:41,748,564, plus strand): 5'-CAGGAACTGAAGTCAGCATAGGCTGAAGCCAGGCTCGAGGTGTCCATCCCAGCCATACAG[G>T]ACTCGTAGGCAGAGGAATTGAGGTAAGAATATTCCATTTTATACATTGAAAAGGTTCTGG-3'
Protein context (NP_003915.2, residues 6-26): YSYLNSSAYE[Ser16Tyr]CMAGMDTSSL